The following is an entry in ClinVar:

NM_000032.5(ALAS2):c.1062C>A (p.Thr354=)

Gene: ALAS2 (5'-aminolevulinate synthase 2; minus strand). Cytogenetic location: Xp11.21.
Variant type: single nucleotide variant.
Coding change: c.1062C>A on transcript NM_000032.5 (MANE Select); coding-DNA position 1062, C replaced by A.
Protein change: p.Thr354=; no amino-acid change (threonine 354 retained).
Molecular consequence: synonymous variant.
Genome position (GRCh38, 1-based): chrX:55,015,684, G>T on the plus strand (C>A on the coding strand, the complement: ALAS2 is on the minus strand). VCF-style: chrX-55015684-G-T. GRCh37 (hg19) VCF-style: chrX-55042117-G-T.
Other names: c.951C>A, p.Thr317= (NM_001037967.4); c.1023C>A, p.Thr341= (NM_001037968.4).
Identifiers: ClinVar variation 5041411 (VCV005041411.1).

ClinVar aggregate classification (germline): Likely benign (1 of 4 stars; one submission).

Submission:

CeGaT Center for Human Genetics Tuebingen
Classification: Likely benign. Last evaluated: 2026-09-01. Review status: criteria provided, single submitter. Criteria: CeGaT Center For Human Genetics Tuebingen Variant Classification Criteria Version 2. Collection method: clinical testing. Allele origin: germline. Affected: yes. Observed: 2 variant alleles.
Comment: ALAS2: PM2:Supporting, BP4, BP7